The following is an entry in ClinVar:

ClinVar aggregate classification (germline): Uncertain significance. Review status: criteria provided, multiple submitters, no conflicts (2 of 4 stars). 4 submissions from 4 submitters: Uncertain significance (4). Last evaluated 2024-03-06.

Conditions:
Hereditary cancer-predisposing syndrome. Also called: Hereditary Cancer Syndrome; Neoplastic Syndromes, Hereditary; Tumor predisposition; Hereditary neoplastic syndrome. Identifiers: Orphanet 140162, MedGen C0027672, MeSH D009386, MONDO:0015356.
Familial cancer of breast. Also called: BREAST CANCER, FAMILIAL; hereditary breast carcinoma; Hereditary breast cancer. Identifiers: Orphanet 227535, MedGen C0346153, MONDO:0016419, OMIM 114480. Disease mechanism: loss of function.
Fanconi anemia complementation group J. Also called: BRIP1-Related Fanconi Anemia. Identifiers: Orphanet 84, MedGen C1836860, MONDO:0012187, OMIM 609054.

Submissions (4):

Color Diagnostics, LLC DBA Color Health
Classification: Uncertain significance for Hereditary cancer-predisposing syndrome. Last evaluated: 2024-03-06. Review status: criteria provided, single submitter. Criteria: ACMG Guidelines, 2015. Collection method: clinical testing. Allele origin: germline.
Comment: This missense variant replaces leucine with proline at codon 709 of the BRIP1 protein. Computational prediction is inconclusive regarding the impact of this variant on protein structure and function (internally defined REVEL score threshold 0.5 < inconclusive < 0.7, PMID: 27666373). To our knowledge, functional studies have not been reported for this variant. This variant has not been reported in individuals affected with hereditary cancer in the literature. This variant has not been identified in the general population by the Genome Aggregation Database (gnomAD). The available evidence is insufficient to determine the role of this variant in disease conclusively. Therefore, this variant is classified as a Variant of Uncertain Significance.

Ambry Genetics
Classification: Uncertain significance for Hereditary cancer-predisposing syndrome. Last evaluated: 2023-12-02. Review status: criteria provided, single submitter. Criteria: Ambry Variant Classification Scheme 2023. Collection method: clinical testing. Allele origin: germline.
Comment: The p.L709P variant (also known as c.2126T>C), located in coding exon 14 of the BRIP1 gene, results from a T to C substitution at nucleotide position 2126. The leucine at codon 709 is replaced by proline, an amino acid with similar properties. This amino acid position is not well conserved in available vertebrate species. In addition, this alteration is predicted to be tolerated by in silico analysis. Since supporting evidence is limited at this time, the clinical significance of this alteration remains unclear.

Baylor Genetics
Classification: Uncertain significance for Familial cancer of breast. Last evaluated: 2023-10-19. Review status: criteria provided, single submitter. Criteria: ACMG Guidelines, 2015. Collection method: clinical testing. Allele origin: unknown.

Labcorp Genetics (formerly Invitae), Labcorp
Classification: Uncertain significance for Familial cancer of breast; Fanconi anemia complementation group J. Last evaluated: 2022-12-08. Review status: criteria provided, single submitter. Criteria: Invitae Variant Classification Sherloc (09022015). Collection method: clinical testing. Allele origin: germline.
Comment: In summary, the available evidence is currently insufficient to determine the role of this variant in disease. Therefore, it has been classified as a Variant of Uncertain Significance. This sequence change replaces leucine, which is neutral and non-polar, with proline, which is neutral and non-polar, at codon 709 of the BRIP1 protein (p.Leu709Pro). This variant is not present in population databases (gnomAD no frequency). This variant has not been reported in the literature in individuals affected with BRIP1-related conditions. ClinVar contains an entry for this variant (Variation ID: 630939). Advanced modeling of protein sequence and biophysical properties (such as structural, functional, and spatial information, amino acid conservation, physicochemical variation, residue mobility, and thermodynamic stability) performed at Invitae indicates that this missense variant is not expected to disrupt BRIP1 protein function.

NM_032043.3(BRIP1):c.2126T>C (p.Leu709Pro)

Gene: BRIP1 (BRCA1 interacting DNA helicase 1; minus strand). Cytogenetic location: 17q23.2.
Variant type: single nucleotide variant.
Coding change: c.2126T>C on transcript NM_032043.3 (MANE Select); coding-DNA position 2126, T replaced by C.
Protein change: p.Leu709Pro; replaces leucine 709 with proline.
Molecular consequence: missense variant.
Genome position (GRCh38, 1-based): chr17:61,744,563, A>G on the plus strand (T>C on the coding strand, the complement: BRIP1 is on the minus strand). VCF-style: chr17-61744563-A-G. GRCh37 (hg19) VCF-style: chr17-59821924-A-G.
Other names: short protein forms L709P.
Identifiers: ClinVar variation 630939 (VCV000630939.17), dbSNP rs1567781600, ClinGen allele CA400483276.